The following is an entry in ClinVar:

NM_001854.4(COL11A1):c.3698A>G (p.Asn1233Ser)

Gene: COL11A1 (collagen type XI alpha 1 chain; minus strand). Cytogenetic location: 1p21.1.
Variant type: single nucleotide variant.
Coding change: c.3698A>G on transcript NM_001854.4 (MANE Select); coding-DNA position 3698, A replaced by G.
Protein change: p.Asn1233Ser; replaces asparagine 1233 with serine.
Molecular consequence: missense variant. On other transcripts: non-coding transcript variant (1).
Genome position (GRCh38, 1-based): chr1:102,921,528, T>C on the plus strand (A>G on the coding strand, the complement: COL11A1 is on the minus strand). VCF-style: chr1-102921528-T-C. GRCh37 (hg19) VCF-style: chr1-103387084-T-C.
Other names: c.3581A>G, p.Asn1194Ser (NM_001190709.2); c.3734A>G, p.Asn1245Ser (NM_080629.3); c.3350A>G, p.Asn1117Ser (NM_080630.4); short protein forms N1233S, N1245S, N1117S, N1194S.
Identifiers: ClinVar variation 547209 (VCV000547209.14), dbSNP rs778311240, ClinGen allele CA973893.
Genomic context (GRCh38, chr1:102,921,528, plus strand): 5'-CAATACCTATATAACTTCAAAATAATTAACATATATTTCAGAGTTCTTACATCAGCTCCA[T>C]TGGGACCTTGAGGGCCTCTTGGGCCTGGAGGACCAGGTGGCCCCTGTAAGAGAGAAATAT-3'
Protein context (NP_001845.3, residues 1223-1243): PPGPRGPQGP[Asn1233Ser]GADGPQGPPG

ClinVar aggregate classification (germline): Conflicting classifications of pathogenicity. Review status: criteria provided, conflicting classifications (1 of 4 stars). 5 submissions from 5 submitters: Uncertain significance (3); Benign (1); Likely benign (1). Last evaluated 2026-09-09.

Conditions:
Inborn genetic diseases. Identifiers: MedGen C0950123, MeSH D030342.
Connective tissue disorder. Also called: Connective tissue disease. Identifiers: MedGen C0009782, MONDO:0003900.

Allele frequency attached by ClinVar (database versions not stated): TOPMed below 0.00001; gnomAD 0.00001; ExAC 0.00002; gnomAD exomes 0.00002.
gnomAD v4.1: 38 of 1,613,064 alleles (0.0024%); highest among the groups gnomAD compares: East Asian, 0.062%; 1 homozygote.

Submissions (5):

GeneDx
Classification: Uncertain significance. Last evaluated: 2026-09-09. Review status: criteria provided, single submitter. Criteria: GeneDx Variant Classification Process June 2021. Collection method: clinical testing. Allele origin: germline.
Comment: Has not been previously published as pathogenic or benign to our knowledge; Not observed at significant frequency in large population cohorts (gnomAD); In silico analysis suggests that this missense variant does not alter protein structure/function

Labcorp Genetics (formerly Invitae), Labcorp
Classification: Benign. Last evaluated: 2025-10-21. Review status: criteria provided, single submitter. Criteria: Invitae Variant Classification Sherloc (09022015). Collection method: clinical testing. Allele origin: germline.

Blueprint Genetics
Classification: Uncertain significance. Last evaluated: 2023-10-05. Review status: criteria provided, single submitter. Criteria: ACMG Guidelines, 2015. Collection method: clinical testing. Allele origin: germline.

Ambry Genetics
Classification: Uncertain significance for Inborn genetic diseases. Last evaluated: 2023-03-17. Review status: criteria provided, single submitter. Criteria: Ambry Variant Classification Scheme 2023. Collection method: clinical testing. Allele origin: germline.

Center for Human Genetics, Inc
Classification: Likely benign for Connective tissue disorder. Last evaluated: 2016-11-01. Review status: criteria provided, single submitter. Criteria: ACMG Guidelines, 2015. Collection method: clinical testing. Allele origin: germline. Affected: yes.